The following is an entry in ClinVar:

NM_018979.4(WNK1):c.1343C>T (p.Ala448Val)

Gene: WNK1 (WNK lysine deficient protein kinase 1; plus strand). Cytogenetic location: 12p13.33.
Variant type: single nucleotide variant.
Coding change: c.1343C>T on transcript NM_018979.4 (MANE Select); coding-DNA position 1343, C replaced by T.
Protein change: p.Ala448Val; replaces alanine 448 with valine.
Molecular consequence: missense variant.
Genome position (GRCh38, 1-based): chr12:857,192, C>T. VCF-style: chr12-857192-C-T. GRCh37 (hg19) VCF-style: chr12-966358-C-T.
Other names: c.1343C>T, p.Ala448Val (NM_001184985.2, NM_014823.3, NM_213655.5); short protein forms A448V.
Identifiers: ClinVar variation 1770408 (VCV001770408.2), dbSNP rs2548596963, ClinGen allele CA383333566.

ClinVar aggregate classification (germline): Uncertain significance (1 of 4 stars; one submission).

Conditions:
Inborn genetic diseases. Identifiers: MedGen C0950123, MeSH D030342.

Submission:

Ambry Genetics
Classification: Uncertain significance for Inborn genetic diseases. Last evaluated: 2021-09-30. Review status: criteria provided, single submitter. Criteria: Ambry Variant Classification Scheme 2023. Collection method: clinical testing. Allele origin: germline.
Comment: The p.A448V variant (also known as c.1343C>T), located in coding exon 5 of the WNK1 gene, results from a C to T substitution at nucleotide position 1343. The alanine at codon 448 is replaced by valine, an amino acid with similar properties. This amino acid position is highly conserved in available vertebrate species. In addition, this alteration is predicted to be tolerated by in silico analysis. Since supporting evidence is limited at this time, the clinical significance of this alteration remains unclear.